The following is an entry in ClinVar:

NM_001197104.2(KMT2A):c.107C>T (p.Pro36Leu)

Gene: KMT2A (lysine methyltransferase 2A; plus strand). Cytogenetic location: 11q23.3.
Variant type: single nucleotide variant.
Coding change: c.107C>T on transcript NM_001197104.2 (MANE Select); coding-DNA position 107, C replaced by T.
Protein change: p.Pro36Leu; replaces proline 36 with leucine.
Molecular consequence: missense variant.
Genome position (GRCh38, 1-based): chr11:118,436,619, C>T. VCF-style: chr11-118436619-C-T. GRCh37 (hg19) VCF-style: chr11-118307334-C-T.
Other names: c.107C>T, p.Pro36Leu (NM_005933.4); short protein forms P36L.
Identifiers: ClinVar variation 1389232 (VCV001389232.8), dbSNP rs1221856539, ClinGen allele CA382797240.

ClinVar aggregate classification (germline): Uncertain significance (1 of 4 stars; one submission).

gnomAD v4.1: 4 of 1,157,090 alleles (0.00035%); highest among the groups gnomAD compares: Non-Finnish European, 0.00043%; no homozygotes.

Submission:

Labcorp Genetics (formerly Invitae), Labcorp
Classification: Uncertain significance. Last evaluated: 2020-11-14. Review status: criteria provided, single submitter. Criteria: Invitae Variant Classification Sherloc (09022015). Collection method: clinical testing. Allele origin: germline.
Comment: This sequence change replaces proline with leucine at codon 36 of the KMT2A protein (p.Pro36Leu). The proline residue is weakly conserved and there is a moderate physicochemical difference between proline and leucine. The frequency data for this variant in the population databases is considered unreliable, as metrics indicate insufficient coverage at this position in the ExAC database. This variant has not been reported in the literature in individuals with KMT2A-related conditions. Advanced modeling of protein sequence and biophysical properties (such as structural, functional, and spatial information, amino acid conservation, physicochemical variation, residue mobility, and thermodynamic stability) performed at Invitae indicates that this missense variant is not expected to disrupt KMT2A protein function. In summary, the available evidence is currently insufficient to determine the role of this variant in disease. Therefore, it has been classified as a Variant of Uncertain Significance.